The following is an entry in ClinVar:

ClinVar aggregate classification (germline): Conflicting classifications of pathogenicity. Review status: criteria provided, conflicting classifications (1 of 4 stars). 11 submissions from 11 submitters: Uncertain significance (10); Likely benign (1). Last evaluated 2026-06-08.

Conditions:
Hyperthyroxinemia, dystransthyretinemic. Also called: HYPERTHYROXINEMIA, DYSPREALBUMINEMIC; EUTHRYROIDAL HYPERTHYROXINEMIA 2. Identifiers: MedGen C2750824, MONDO:0007785, OMIM 145680.
Carpal tunnel syndrome 1 (CTS1). Also called: Carpal tunnel syndrome, familial. Identifiers: MedGen C5779776, MONDO:0020730, OMIM 115430.
Amyloidosis, hereditary systemic 1 (AMYLD1). Also called: Isolated Cardiac Amyloidosis; Amyloid Cardiomyopathy, Transthyretin-related; Hereditary oculoleptomeningeal amyloid angiopathy; Familial Transthyretin Amyloidosis; AMYLOID CARDIOMYOPATHY; Hereditary Transthyretin Amyloidosis. Identifiers: Orphanet 85447, Orphanet 85451, MedGen C2751492, MONDO:0971004, OMIM 105210.
TTR-related disorder. Also called: TTR-related disorders; TTR-related condition.
Cardiovascular phenotype. Identifiers: MedGen CN230736.

Allele frequency attached by ClinVar (database versions not stated): gnomAD exomes 0.00001 and 0.00002; ExAC 0.00002; TOPMed 0.00009; gnomAD 0.00010; ESP Exome Variant Server 0.00015.
gnomAD v4.1: 27 of 1,614,018 alleles (0.0017%); highest among the groups gnomAD compares: African/African-American, 0.021%; no homozygotes.

Submissions (11):

Women's Health and Genetics/Laboratory Corporation of America, LabCorp
Classification: Uncertain significance. Last evaluated: 2026-06-08. Review status: criteria provided, single submitter. Criteria: LabCorp Variant Classification Summary - May 2015. Collection method: clinical testing. Allele origin: germline.
Comment: Variant summary: TTR c.140A>G (p.Asn47Ser) results in a conservative amino acid change in the encoded protein sequence. Algorithms developed to predict the effect of missense changes on protein structure and function all suggest that this variant is likely to be tolerated. The variant allele was found at a frequency of 2.4e-05 in 251466 control chromosomes (gnomAD). The available data on variant occurrences in the general population are insufficient to allow any conclusion about variant significance. c.140A>G has been observed in an individual(s) affected with TTR-related conditions (e.g. Burstein_2021). This report(s) does not provide unequivocal conclusions about association of the variant with disease. To our knowledge, no experimental evidence demonstrating an impact on protein function has been reported. The following publication has been ascertained in the context of this evaluation (PMID: 32746448). ClinVar contains an entry for this variant (Variation ID: 178279). Based on the evidence outlined above, the variant was classified as uncertain significance.

PreventionGenetics, part of Exact Sciences
Classification: Uncertain significance for TTR-related condition. Last evaluated: 2026-01-20. Review status: criteria provided, single submitter. Criteria: ACMG Guidelines, 2015. Collection method: clinical testing. Allele origin: germline.
Comment: The TTR c.140A>G variant is predicted to result in the amino acid substitution p.Asn47Ser. This variant was reported in an individual with hypertrophic cardiomyopathy (Burstein et al. 2020. PubMed ID: 32746448). This variant is reported in 0.024% of alleles in individuals of African descent in gnomAD. Although we suspect that this variant may be benign, at this time, the clinical significance of this variant is uncertain due to the absence of conclusive functional and genetic evidence.

Labcorp Genetics (formerly Invitae), Labcorp
Classification: Uncertain significance for Amyloidosis, hereditary systemic 1. Last evaluated: 2026-01-08. Review status: criteria provided, single submitter. Criteria: Invitae Variant Classification Sherloc (09022015). Collection method: clinical testing. Allele origin: germline.
Comment: This sequence change replaces asparagine, which is neutral and polar, with serine, which is neutral and polar, at codon 47 of the TTR protein (p.Asn47Ser). This variant is present in population databases (rs145551875, gnomAD 0.02%). This missense change has been observed in individual(s) with hypertrophic cardiomyopathy (PMID: 32746448). ClinVar contains an entry for this variant (Variation ID: 178279). Invitae Evidence Modeling of protein sequence and biophysical properties (such as structural, functional, and spatial information, amino acid conservation, physicochemical variation, residue mobility, and thermodynamic stability) indicates that this missense variant is expected to disrupt TTR protein function with a positive predictive value of 80%. In summary, the available evidence is currently insufficient to determine the role of this variant in disease. Therefore, it has been classified as a Variant of Uncertain Significance.

Dasa
Classification: Uncertain significance. Last evaluated: 2025-10-29. Review status: criteria provided, single submitter. Criteria: DASA Assertion Criteria. Collection method: clinical testing. Allele origin: germline.
Comment: NM_000371.4(TTR):c.140A>G (p.Asn47Ser) is a missense variant that results in the substitution of asparagine with serine. The affected residue or protein region has prior evidence supporting clinical relevance. Published studies describe this variant in association with related phenotype (PMID: 30683924; PMID: 32746448). Also, this variant is rare in population databases. The currently available literature and clinical evidence are not sufficient to establish a definitive association between this variant and the reported condition. Therefore, this variant is classified as a variant of uncertain significance.

Ambry Genetics
Classification: Uncertain significance for Cardiovascular phenotype. Last evaluated: 2025-04-23. Review status: criteria provided, single submitter. Criteria: Ambry Variant Classification Scheme 2023. Collection method: clinical testing. Allele origin: germline.
Comment: The p.N47S variant (also known as c.140A>G), located in coding exon 2 of the TTR gene, results from an A to G substitution at nucleotide position 140. The asparagine at codon 47 is replaced by serine, an amino acid with highly similar properties. This variant has been reported in a pediatric hypertrophic cardiomyopathy (HCM) cohort and a genetic testing cohort (Burstein DS et al. Pediatr Res, 2021 May;89:1470-1476; Bhatt K et al. J Am Heart Assoc, 2024 Dec;13:e033770). This amino acid position is not well conserved in available vertebrate species. In addition, this alteration is predicted to be tolerated by in silico analysis. Based on the available evidence, the clinical significance of this variant remains unclear.

Molecular Diagnostic Laboratory for Inherited Cardiovascular Disease, Montreal Heart Institute
Classification: Likely benign. Last evaluated: 2025-04-09. Review status: criteria provided, single submitter. Criteria: ACMG Guidelines, 2015. Collection method: clinical testing. Allele origin: germline. Affected: no.
Comment: PP2, BS1, BP4

Fulgent Genetics
Classification: Uncertain significance for Amyloidosis, hereditary systemic 1; Carpal tunnel syndrome 1; Hyperthyroxinemia, dystransthyretinemic. Last evaluated: 2022-05-03. Review status: criteria provided, single submitter. Criteria: ACMG Guidelines, 2015. Collection method: clinical testing. Allele origin: unknown.

Mayo Clinic Laboratories, Mayo Clinic
Classification: Uncertain significance. Last evaluated: 2020-02-12. Review status: criteria provided, single submitter. Criteria: ACMG Guidelines, 2015. Collection method: clinical testing. Allele origin: germline. Observed: 1 variant allele.

ARUP Laboratories, Molecular Genetics and Genomics, ARUP Laboratories
Classification: Uncertain significance. Last evaluated: 2018-08-21. Review status: criteria provided, single submitter. Criteria: ARUP Molecular Germline Variant Investigation Process. Collection method: clinical testing. Allele origin: germline.
Comment: The TTR c.140A>G; p.Asn47Ser variant (rs145551875), to our knowledge, is not reported in the medical literature but is reported in ClinVar (Variation ID: 178279). This variant is found on five chromosomes in the African population in the Genome Aggregation Database. The asparagine at codon 47 is moderately conserved, but computational analyses (SIFT, PolyPhen-2) predict that this variant is tolerated. However, due to limited information, the clinical significance of the p.Asn47Ser variant is uncertain at this time.

GeneDx
Classification: Uncertain significance. Last evaluated: 2015-04-29. Review status: criteria provided, single submitter. Criteria: GeneDx Variant Classification (06012015). Collection method: clinical testing. Allele origin: germline. Affected: yes.
Comment: This variant is denoted p.Asn47Ser (AAT>AGT): c.140 A>G in exon 2 of the TTR gene (NM_000371.3). The N47S variant in the TTR gene has not been reported as a disease-causing mutation or as a benign polymorphism to our knowledge. N47S was not observed with any significant frequency in approximately 6500 individuals of European and African American ancestry in the NHLBI Exome Sequencing Project, indicating it is not a common benign variant in these populations. Mutations in nearby residues (A45T, V48M) have been reported in association with TTR-related amyloidosis, supporting the functional importance of this region of the protein. However, N47S is only a conservative amino acid substitution as these residues share similar properties, and are least likely to impact secondary structure. In addition, the N47 residue is not well conserved across species, and in silico analysis predicts N47S is benign to the protein structure/function. With the clinical and molecular information available at this time, we cannot definitively determine if N47S is a disease-causing mutation or a rare benign variant. The variant is found in DCM-CRDM panel(s).

Laboratory for Molecular Medicine, Mass General Brigham Personalized Medicine
Classification: Uncertain significance. Last evaluated: 2014-01-17. Review status: criteria provided, single submitter. Criteria: LMM Criteria. Collection method: clinical testing. Allele origin: germline. Observed: 2 variant alleles.
Comment: The Asn47Ser variant in TTR has been not been previously reported in any other f amilies with cardiomyopathy, but has been identified in 2/4406 African American chromosomes by the NHLBI Exome Sequencing Project (EVS/; dbSNP rs145551875). Asparagine (Asn) at position 47 is not conserved in ev olution with one primate (bushbaby) carrying a serine (Ser; this variant) at thi s position. This raises the possibility that this change may be tolerated. Addit ional computational analyses (biochemical amino acid properties, AlignGVGD, Poly Phen2, and SIFT) also suggest that the Asn47Ser variant may not impact the prote in, though this information is not predictive enough to rule out pathogenicity. Although these data supports that this variant may be benign, additional studies are needed to fully assess its clinical significance.

Literature cited by the submitters: PubMed 32746448 (cited by 4 submitters); PubMed 30683924 (cited by Dasa); PubMed 39575713 (cited by Ambry Genetics).

NM_000371.4(TTR):c.140A>G (p.Asn47Ser)

Gene: TTR (transthyretin; plus strand). Cytogenetic location: 18q12.1.
Variant type: single nucleotide variant.
Coding change: c.140A>G on transcript NM_000371.4 (MANE Select); coding-DNA position 140, A replaced by G.
Protein change: p.Asn47Ser; replaces asparagine 47 with serine.
Molecular consequence: missense variant.
Genome position (GRCh38, 1-based): chr18:31,592,966, A>G. VCF-style: chr18-31592966-A-G. GRCh37 (hg19) VCF-style: chr18-29172929-A-G.
Other names: p.N47S:AAT>AGT; short protein forms N47S.
Identifiers: ClinVar variation 178279 (VCV000178279.34), dbSNP rs145551875, ClinGen allele CA182022.